The following is an entry in ClinVar:

ClinVar aggregate classification (germline): Uncertain significance. Review status: criteria provided, multiple submitters, no conflicts (2 of 4 stars). 5 submissions from 5 submitters: Uncertain significance (5). Last evaluated 2025-09-25.

Conditions:
Catecholaminergic polymorphic ventricular tachycardia 1. Also called: VENTRICULAR TACHYCARDIA, CATECHOLAMINERGIC POLYMORPHIC, 1, WITH OR WITHOUT ATRIAL DYSFUNCTION AND/OR DILATED CARDIOMYOPATHY; RYR2-Related Catecholaminergic Polymorphic Ventricular Tachycardia; VENTRICULAR TACHYCARDIA, STRESS-INDUCED POLYMORPHIC 1. Identifiers: Orphanet 3286, MedGen C1631597, MONDO:0011484, OMIM 604772.
Catecholaminergic polymorphic ventricular tachycardia 2. Also called: CASQ2-Related Catecholaminergic Polymorphic Ventricular Tachycardia; VENTRICULAR TACHYCARDIA, STRESS-INDUCED POLYMORPHIC 2. Identifiers: Orphanet 3286, MedGen C2677794, MONDO:0012762, OMIM 611938.
Cardiovascular phenotype. Identifiers: MedGen CN230736.

Allele frequency attached by ClinVar (database versions not stated): ExAC 0.00002; gnomAD exomes 0.00002 and 0.00003; gnomAD 0.00003; TOPMed 0.00003.
gnomAD v4.1: 42 of 1,613,410 alleles (0.0026%); highest among the groups gnomAD compares: Admixed American, 0.012%; no homozygotes.

Submissions (5):

Ambry Genetics
Classification: Uncertain significance for Cardiovascular phenotype. Last evaluated: 2025-09-25. Review status: criteria provided, single submitter. Criteria: Ambry Variant Classification Scheme 2023. Collection method: clinical testing. Allele origin: germline.

GeneDx
Classification: Uncertain significance. Last evaluated: 2025-07-09. Review status: criteria provided, single submitter. Criteria: GeneDx Variant Classification Process June 2021. Collection method: clinical testing. Allele origin: germline. Affected: yes.
Comment: In silico analysis suggests that this missense variant does not alter protein structure/function; Has not been previously published as pathogenic or benign in association with a CASQ2-related disorder to our knowledge; This variant is associated with the following publications: (PMID: 37995796, 28404607)

Genome-Nilou Lab
Classification: Uncertain significance for Catecholaminergic polymorphic ventricular tachycardia 2. Last evaluated: 2023-04-11. Review status: criteria provided, single submitter. Criteria: ACMG Guidelines, 2015. Collection method: clinical testing. Allele origin: germline. Affected: no.

Fulgent Genetics
Classification: Uncertain significance for Catecholaminergic polymorphic ventricular tachycardia 1; Catecholaminergic polymorphic ventricular tachycardia 2. Last evaluated: 2021-10-06. Review status: criteria provided, single submitter. Criteria: ACMG Guidelines, 2015. Collection method: clinical testing. Allele origin: unknown.

Labcorp Genetics (formerly Invitae), Labcorp
Classification: Uncertain significance for Catecholaminergic polymorphic ventricular tachycardia 1. Last evaluated: 2021-08-27. Review status: criteria provided, single submitter. Criteria: Invitae Variant Classification Sherloc (09022015). Collection method: clinical testing. Allele origin: germline.
Comment: This sequence change replaces tyrosine with cysteine at codon 164 of the CASQ2 protein (p.Tyr164Cys). The tyrosine residue is weakly conserved and there is a large physicochemical difference between tyrosine and cysteine. This variant is present in population databases (rs72554062, ExAC 0.01%). This variant has not been reported in the literature in individuals affected with CASQ2-related conditions. Algorithms developed to predict the effect of missense changes on protein structure and function are either unavailable or do not agree on the potential impact of this missense change (SIFT: "Deleterious"; PolyPhen-2: "Possibly Damaging"; Align-GVGD: "Class C0"). In summary, the available evidence is currently insufficient to determine the role of this variant in disease. Therefore, it has been classified as a Variant of Uncertain Significance.

NM_001232.4(CASQ2):c.491A>G (p.Tyr164Cys)

Gene: CASQ2 (calsequestrin 2; minus strand). Cytogenetic location: 1p13.1.
Variant type: single nucleotide variant.
Coding change: c.491A>G on transcript NM_001232.4 (MANE Select); coding-DNA position 491, A replaced by G.
Protein change: p.Tyr164Cys; replaces tyrosine 164 with cysteine.
Molecular consequence: missense variant.
Genome position (GRCh38, 1-based): chr1:115,738,265, T>C on the plus strand (A>G on the coding strand, the complement: CASQ2 is on the minus strand). VCF-style: chr1-115738265-T-C. GRCh37 (hg19) VCF-style: chr1-116280886-T-C.
Other names: short protein forms Y164C.
Identifiers: ClinVar variation 532351 (VCV000532351.14), dbSNP rs72554062, ClinGen allele CA1023895.
Genomic context (GRCh38, chr1:115,738,265, plus strand): 5'-GGGTTGGCAGACAACTTACATTCTGAGTCCTCACTCTTGAAAAAGCCAATGAGTTTGATG[T>C]AGTCTTCAATGCGTTCGAAGGCTTGGACTTCCAGTTTGCTGCTGATGATCTCCACTGGGT-3'
Protein context (NP_001223.2, residues 154-174): EVQAFERIED[Tyr164Cys]IKLIGFFKSE